The following is an entry in ClinVar:

NM_001128840.3(CACNA1D):c.166G>C (p.Ala56Pro)

Gene: CACNA1D (calcium voltage-gated channel subunit alpha1 D; plus strand). Cytogenetic location: 3p21.1.
Variant type: single nucleotide variant.
Coding change: c.166G>C on transcript NM_001128840.3 (MANE Select); coding-DNA position 166, G replaced by C.
Protein change: p.Ala56Pro; replaces alanine 56 with proline.
Molecular consequence: missense variant.
Genome position (GRCh38, 1-based): chr3:53,497,250, G>C. VCF-style: chr3-53497250-G-C. GRCh37 (hg19) VCF-style: chr3-53531277-G-C.
Other names: c.166G>C, p.Ala56Pro (NM_000720.4, NM_001128839.3); short protein forms A56P.
Identifiers: ClinVar variation 1304155 (VCV001304155.2), dbSNP rs2107070138, ClinGen allele CA353381880.
Genomic context (GRCh38, chr3:53,497,250, plus strand): 5'-GGTGAAGGACCAACTTCTCAGCCGAATAGCTCCAAGCAAACTGTCCTGTCTTGGCAAGCT[G>C]CAATCGATGCTGCTAGACAGGCCAAGGCTGCCCAAACTATGAGCACCTCTGCACCCCCAC-3'
Protein context (NP_001122312.1, residues 46-66): SKQTVLSWQA[Ala56Pro]IDAARQAKAA

ClinVar aggregate classification (germline): Uncertain significance (1 of 4 stars; one submission).

Submission:

GeneDx
Classification: Uncertain significance. Last evaluated: 2020-03-24. Review status: criteria provided, single submitter. Criteria: GeneDx Variant Classification Process June 2021. Collection method: clinical testing. Allele origin: germline. Affected: yes.
Comment: Not observed in large population cohorts (Lek et al., 2016); In silico analysis supports that this missense variant does not alter protein structure/function; Has not been previously published as pathogenic or benign to our knowledge